The following is an entry in ClinVar:

NM_025074.7(FRAS1):c.8329T>C (p.Ser2777Pro)

Gene: FRAS1 (Fraser extracellular matrix complex subunit 1; plus strand). Cytogenetic location: 4q21.21.
Variant type: single nucleotide variant.
Coding change: c.8329T>C on transcript NM_025074.7 (MANE Select); coding-DNA position 8329, T replaced by C.
Protein change: p.Ser2777Pro; replaces serine 2777 with proline.
Molecular consequence: missense variant.
Genome position (GRCh38, 1-based): chr4:78,479,604, T>C. VCF-style: chr4-78479604-T-C. GRCh37 (hg19) VCF-style: chr4-79400758-T-C.
Other names: short protein forms S2777P.
Identifiers: ClinVar variation 907470 (VCV000907470.6), dbSNP rs773401610, ClinGen allele CA2978328.

ClinVar aggregate classification (germline): Uncertain significance. Review status: criteria provided, multiple submitters, no conflicts (2 of 4 stars). 3 submissions from 3 submitters: Uncertain significance (3). Last evaluated 2024-05-13.

Conditions:
Fraser syndrome 1 (FRASRS1). Also called: CRYPTOPHTHALMOS WITH OTHER MALFORMATIONS. Identifiers: Orphanet 2052, MedGen C4551480, MONDO:0054737, OMIM 219000.

Allele frequency attached by ClinVar (database versions not stated): gnomAD exomes below 0.00001; ExAC 0.00001.
gnomAD v4.1: 5 of 1,613,950 alleles (0.00031%); highest among the groups gnomAD compares: Non-Finnish European, 0.00042%; no homozygotes.

Submissions (3):

Fulgent Genetics
Classification: Uncertain significance for Fraser syndrome 1. Last evaluated: 2024-05-13. Review status: criteria provided, single submitter. Criteria: ACMG Guidelines, 2015. Collection method: clinical testing. Allele origin: germline.

Labcorp Genetics (formerly Invitae), Labcorp
Classification: Uncertain significance. Last evaluated: 2022-04-21. Review status: criteria provided, single submitter. Criteria: Invitae Variant Classification Sherloc (09022015). Collection method: clinical testing. Allele origin: germline.
Comment: This sequence change replaces serine, which is neutral and polar, with proline, which is neutral and non-polar, at codon 2777 of the FRAS1 protein (p.Ser2777Pro). This variant is present in population databases (rs773401610, gnomAD 0.0009%). This variant has not been reported in the literature in individuals affected with FRAS1-related conditions. ClinVar contains an entry for this variant (Variation ID: 907470). Algorithms developed to predict the effect of missense changes on protein structure and function (SIFT, PolyPhen-2, Align-GVGD) all suggest that this variant is likely to be disruptive. In summary, the available evidence is currently insufficient to determine the role of this variant in disease. Therefore, it has been classified as a Variant of Uncertain Significance.

Illumina Laboratory Services, Illumina
Classification: Uncertain significance for Fraser syndrome 1. Last evaluated: 2018-01-12. Review status: criteria provided, single submitter. Criteria: ICSL Variant Classification Criteria 13 December 2019. Collection method: clinical testing. Allele origin: germline.